The following is an entry in ClinVar:

ClinVar aggregate classification (germline): Uncertain significance. Review status: criteria provided, multiple submitters, no conflicts (2 of 4 stars). 3 submissions from 3 submitters: Uncertain significance (3). Last evaluated 2026-02-21.

Conditions:
Dilated cardiomyopathy 1G (CMD1G). Identifiers: Orphanet 154, MedGen C1858763, MONDO:0011400, OMIM 604145.
Autosomal recessive limb-girdle muscular dystrophy type 2J (LGMDR10). Also called: Limb-girdle muscular dystrophy, type 2J; MUSCULAR DYSTROPHY, LIMB-GIRDLE, AUTOSOMAL RECESSIVE 10. Identifiers: Orphanet 140922, MedGen C1837342, MONDO:0012127, OMIM 608807.

Allele frequency attached by ClinVar (database versions not stated): gnomAD exomes 0.00001 and below 0.00001.
gnomAD v4.1: 4 of 1,613,864 alleles (0.00025%); highest among the groups gnomAD compares: Admixed American, 0.005%; no homozygotes.

Submissions (3):

GeneDx
Classification: Uncertain significance. Last evaluated: 2026-02-21. Review status: criteria provided, single submitter. Criteria: GeneDx Variant Classification Process June 2021. Collection method: clinical testing. Allele origin: germline.
Comment: Reported in a proband with hypertrophic cardiomyopathy who also harbored additional variants in genes related to the phenotype (PMID: 28771489); Not observed at significant frequency in large population cohorts (gnomAD); Missense variant in a gene in which most reported pathogenic variants are truncating/loss of function; This variant is associated with the following publications: (PMID: 28771489)

Labcorp Genetics (formerly Invitae), Labcorp
Classification: Uncertain significance for Dilated cardiomyopathy 1G; Autosomal recessive limb-girdle muscular dystrophy type 2J. Last evaluated: 2025-06-20. Review status: criteria provided, single submitter. Criteria: Invitae Variant Classification Sherloc (09022015). Collection method: clinical testing. Allele origin: germline.
Comment: This sequence change replaces tyrosine, which is neutral and polar, with histidine, which is basic and polar, at codon 33845 of the TTN protein (p.Tyr33845His). This variant is present in population databases (no rsID available, gnomAD 0.003%). This missense change has been observed in individual(s) with hypertrophic cardiomyopathy (PMID: 28771489). ClinVar contains an entry for this variant (Variation ID: 864645). Experimental studies and prediction algorithms are not available or were not evaluated, and the functional significance of this variant is currently unknown. This variant is located in the M band of TTN (PMID: 25589632). Non-truncating variants in this region may be relevant for neuromuscular disorders, but have not been definitively shown to cause cardiomyopathy (PMID: 23975875). In summary, the available evidence is currently insufficient to determine the role of this variant in disease. Therefore, it has been classified as a Variant of Uncertain Significance.

Baylor Genetics
Classification: Uncertain significance for Dilated cardiomyopathy 1G. Last evaluated: 2020-01-14. Review status: criteria provided, single submitter. Criteria: ACMG Guidelines, 2015. Collection method: clinical testing. Allele origin: unknown. Affected: yes.
Comment: This variant was determined to be of uncertain significance according to ACMG Guidelines, 2015 [PMID:25741868].

Literature cited by the submitters: PubMed 28771489 (cited by Labcorp Genetics (formerly Invitae), Labcorp); PubMed 25589632 (cited by Labcorp Genetics (formerly Invitae), Labcorp); PubMed 23975875 (cited by Labcorp Genetics (formerly Invitae), Labcorp).

NM_001267550.2(TTN):c.101533T>C (p.Tyr33845His)

Genes: TTN (titin; minus strand), TTN-AS1 (TTN antisense RNA 1; plus strand). Cytogenetic location: 2q31.2.
Variant type: single nucleotide variant.
Coding change: c.101533T>C on transcript NM_001267550.2 (MANE Select); coding-DNA position 101533, T replaced by C.
Protein change: p.Tyr33845His; replaces tyrosine 33845 with histidine.
Molecular consequence: missense variant.
Genome position (GRCh38, 1-based): chr2:178,535,082, A>G on the plus strand (T>C on the coding strand, the complement: TTN is on the minus strand). VCF-style: chr2-178535082-A-G. GRCh37 (hg19) VCF-style: chr2-179399809-A-G.
Other names: c.101533T>C (NM_001267550.1); c.96610T>C, p.Tyr32204His (NM_001256850.1); c.74338T>C, p.Tyr24780His (NM_003319.4); c.93829T>C, p.Tyr31277His (NM_133378.4); c.74713T>C, p.Tyr24905His (NM_133432.3); c.74914T>C, p.Tyr24972His (NM_133437.4); short protein forms Y24972H, Y24905H, Y31277H, Y24780H, Y32204H, Y33845H.
Identifiers: ClinVar variation 864645 (VCV000864645.9), dbSNP rs1227515280, ClinGen allele CA349420504.